The following is an entry in ClinVar:

NM_005419.4(STAT2):c.1102C>G (p.Pro368Ala)

Gene: STAT2 (signal transducer and activator of transcription 2; minus strand). Cytogenetic location: 12q13.3.
Variant type: single nucleotide variant.
Coding change: c.1102C>G on transcript NM_005419.4 (MANE Select); coding-DNA position 1102, C replaced by G.
Protein change: p.Pro368Ala; replaces proline 368 with alanine.
Molecular consequence: missense variant. On other transcripts: intron variant (2).
Genome position (GRCh38, 1-based): chr12:56,350,425, G>C on the plus strand (C>G on the coding strand, the complement: STAT2 is on the minus strand). VCF-style: chr12-56350425-G-C. GRCh37 (hg19) VCF-style: chr12-56744209-G-C.
Other names: c.1102C>G, p.Pro368Ala (NM_001385111.1, NM_001385113.1); c.1090C>G, p.Pro364Ala (NM_001385115.1, NM_198332.2); c.1083-235C>G (NM_001385110.1); c.1095-235C>G (NM_001385114.1); c.1102C>G (NM_005419.3); short protein forms P364A, P368A.
Identifiers: ClinVar variation 1059104 (VCV001059104.7), dbSNP rs757072598, ClinGen allele CA6630643.
Genomic context (GRCh38, chr12:56,350,425, plus strand): 5'-GGTCATACACTGTACAGATGTTTGCAGTGTCCTTGTCAAGCACCTACCCTTGTAATTGAG[G>C]AGGATTCCTGAAAAGAAATAAATTTAAAAAAATCATTGGGCAAAAGAGTATGGAAGTTAG-3'
Protein context (NP_005410.1, residues 358-378): TVEVSIDRNP[Pro368Ala]QLQGFRKFNI

ClinVar aggregate classification (germline): Uncertain significance. Review status: criteria provided, multiple submitters, no conflicts (2 of 4 stars). 2 submissions from 2 submitters: Uncertain significance (2). Last evaluated 2025-05-19.

Conditions:
Primary immunodeficiency with post-measles-mumps-rubella vaccine viral infection. Also called: Immunodeficiency 44. Identifiers: Orphanet 431166, MedGen C4225260, MONDO:0014715, OMIM 616636.
Inborn genetic diseases. Identifiers: MedGen C0950123, MeSH D030342.

Allele frequency attached by ClinVar (database versions not stated): gnomAD exomes 0.00001 and 0.00005; gnomAD 0.00003 and 0.00002; TOPMed 0.00003; ExAC 0.00001.
gnomAD v4.1: 84 of 1,606,422 alleles (0.0052%); highest among the groups gnomAD compares: Non-Finnish European, 0.0067%; no homozygotes.

Submissions (2):

Ambry Genetics
Classification: Uncertain significance for Inborn genetic diseases. Last evaluated: 2025-05-19. Review status: criteria provided, single submitter. Criteria: Ambry Variant Classification Scheme 2023. Collection method: clinical testing. Allele origin: germline.

Labcorp Genetics (formerly Invitae), Labcorp
Classification: Uncertain significance for Primary immunodeficiency with post-measles-mumps-rubella vaccine viral infection. Last evaluated: 2022-03-22. Review status: criteria provided, single submitter. Criteria: Invitae Variant Classification Sherloc (09022015). Collection method: clinical testing. Allele origin: germline.
Comment: This sequence change replaces proline, which is neutral and non-polar, with alanine, which is neutral and non-polar, at codon 368 of the STAT2 protein (p.Pro368Ala). This variant is present in population databases (rs757072598, gnomAD 0.003%). This variant has not been reported in the literature in individuals affected with STAT2-related conditions. ClinVar contains an entry for this variant (Variation ID: 1059104). Algorithms developed to predict the effect of missense changes on protein structure and function (SIFT, PolyPhen-2, Align-GVGD) all suggest that this variant is likely to be tolerated. In summary, the available evidence is currently insufficient to determine the role of this variant in disease. Therefore, it has been classified as a Variant of Uncertain Significance.